The following is an entry in ClinVar:

NM_148960.3(CLDN19):c.223+3A>T

Gene: CLDN19 (claudin 19; minus strand). Cytogenetic location: 1p34.2.
Variant type: single nucleotide variant.
Coding change: c.223+3A>T on transcript NM_148960.3 (MANE Select); 3 bases into the intron after coding-DNA position 223, A replaced by T.
Molecular consequence: intron variant.
Genome position (GRCh38, 1-based): chr1:42,739,838, T>A on the plus strand (A>T on the coding strand, the complement: CLDN19 is on the minus strand). VCF-style: chr1-42739838-T-A. GRCh37 (hg19) VCF-style: chr1-43205509-T-A.
Other names: c.223+3A>T (NM_001185117.2, NM_001123395.2).
Identifiers: ClinVar variation 2052060 (VCV002052060.4), dbSNP rs2524372554, ClinGen allele CA2580062961.

ClinVar aggregate classification (germline): Uncertain significance (1 of 4 stars; one submission).

Submission:

Labcorp Genetics (formerly Invitae), Labcorp
Classification: Uncertain significance. Last evaluated: 2021-12-21. Review status: criteria provided, single submitter. Criteria: Invitae Variant Classification Sherloc (09022015). Collection method: clinical testing. Allele origin: germline.
Comment: In summary, the available evidence is currently insufficient to determine the role of this variant in disease. Therefore, it has been classified as a Variant of Uncertain Significance. Variants that disrupt the consensus splice site are a relatively common cause of aberrant splicing (PMID: 17576681, 9536098). Algorithms developed to predict the effect of sequence changes on RNA splicing suggest that this variant may disrupt the consensus splice site. This variant has not been reported in the literature in individuals affected with CLDN19-related conditions. This variant is not present in population databases (gnomAD no frequency). This sequence change falls in intron 1 of the CLDN19 gene. It does not directly change the encoded amino acid sequence of the CLDN19 protein. It affects a nucleotide within the consensus splice site.

Literature cited by the submitters: PubMed 17576681; PubMed 9536098.